The following is an entry in ClinVar:

ClinVar aggregate classification (germline): Uncertain significance (1 of 4 stars; one submission).

Submission:

Labcorp Genetics (formerly Invitae), Labcorp
Classification: Uncertain significance. Last evaluated: 2024-10-06. Review status: criteria provided, single submitter. Criteria: Invitae Variant Classification Sherloc (09022015). Collection method: clinical testing. Allele origin: germline.
Comment: This sequence change replaces proline, which is neutral and non-polar, with leucine, which is neutral and non-polar, at codon 1986 of the SRCAP protein (p.Pro1986Leu). This variant is not present in population databases (gnomAD no frequency). This variant has not been reported in the literature in individuals affected with SRCAP-related conditions. Invitae Evidence Modeling of protein sequence and biophysical properties (such as structural, functional, and spatial information, amino acid conservation, physicochemical variation, residue mobility, and thermodynamic stability) indicates that this missense variant is not expected to disrupt SRCAP protein function with a negative predictive value of 80%. In summary, the available evidence is currently insufficient to determine the role of this variant in disease. Therefore, it has been classified as a Variant of Uncertain Significance.

NM_006662.3(SRCAP):c.5957C>T (p.Pro1986Leu)

Gene: SRCAP (Snf2 related CREBBP activator protein; plus strand). Cytogenetic location: 16p11.2.
Variant type: single nucleotide variant.
Coding change: c.5957C>T on transcript NM_006662.3 (MANE Select); coding-DNA position 5957, C replaced by T.
Protein change: p.Pro1986Leu; replaces proline 1986 with leucine.
Molecular consequence: missense variant.
Genome position (GRCh38, 1-based): chr16:30,729,402, C>T. VCF-style: chr16-30729402-C-T. GRCh37 (hg19) VCF-style: chr16-30740723-C-T.
Other names: short protein forms P1986L.
Identifiers: ClinVar variation 3719641 (VCV003719641.2).